The following is an entry in ClinVar:

ClinVar aggregate classification (germline): Uncertain significance (1 of 4 stars; one submission).

gnomAD v4.1: 1 of 1,614,148 alleles (0.000062%); highest among the groups gnomAD compares: African/African-American, 0.0013%; no homozygotes.

Submission:

GeneDx
Classification: Uncertain significance. Last evaluated: 2025-06-20. Review status: criteria provided, single submitter. Criteria: GeneDx Variant Classification Process June 2021. Collection method: clinical testing. Allele origin: germline. Affected: yes.
Comment: Not observed at significant frequency in large population cohorts (gnomAD); In silico analysis suggests that this missense variant does not alter protein structure/function; Has not been previously published as pathogenic or benign to our knowledge

NM_006885.4(ZFHX3):c.3560C>T (p.Thr1187Ile)

Genes: ZFHX3 (zinc finger homeobox 3; minus strand), ZFHX3-AS1 (ZFHX3 antisense RNA 1; plus strand). Cytogenetic location: 16q22.3.
Variant type: single nucleotide variant.
Coding change: c.3560C>T on transcript NM_006885.4 (MANE Select); coding-DNA position 3560, C replaced by T.
Protein change: p.Thr1187Ile; replaces threonine 1187 with isoleucine.
Molecular consequence: missense variant.
Genome position (GRCh38, 1-based): chr16:72,812,008, G>A on the plus strand (C>T on the coding strand, the complement: ZFHX3 is on the minus strand). VCF-style: chr16-72812008-G-A. GRCh37 (hg19) VCF-style: chr16-72845907-G-A.
Other names: c.818C>T, p.Thr273Ile (NM_001164766.2); c.3560C>T, p.Thr1187Ile (NM_001386735.1); short protein forms T1187I, T273I.
Identifiers: ClinVar variation 4538714 (VCV004538714.1).
Genomic context (GRCh38, chr16:72,812,008, plus strand): 5'-GAGAGGGGAGACTCTGAGCTACCTGGGAAGGAGATGCGTTTGGAGGTTGCAGGAGAATCT[G>A]TCAGCTCCTTCTCTGCTTGGCTGGACGATGCTAAAAGAGAAAGTAGAAGATGCAATACAG-3'
Protein context (NP_008816.3, residues 1177-1197): ASSSQAEKEL[Thr1187Ile]DSPATSKRIS